The following is an entry in ClinVar:

NM_006245.4(PPP2R5D):c.327G>A (p.Ser109=)

Gene: PPP2R5D (protein phosphatase 2 regulatory subunit B'delta; plus strand). Cytogenetic location: 6p21.1.
Variant type: single nucleotide variant.
Coding change: c.327G>A on transcript NM_006245.4 (MANE Select); coding-DNA position 327, G replaced by A.
Protein change: p.Ser109=; no amino-acid change (serine 109 retained).
Molecular consequence: synonymous variant. On other transcripts: 5 prime UTR variant (1), intron variant (2).
Genome position (GRCh38, 1-based): chr6:43,006,915, G>A. VCF-style: chr6-43006915-G-A. GRCh37 (hg19) VCF-style: chr6-42974653-G-A.
Other names: c.-127G>A (NM_001270476.2); c.250-19G>A (NM_180976.3); c.28-19G>A (NM_180977.3).
Identifiers: ClinVar variation 1315032 (VCV001315032.6), dbSNP rs573662782, ClinGen allele CA3811810.

ClinVar aggregate classification (germline): Conflicting classifications of pathogenicity. Review status: criteria provided, conflicting classifications (1 of 4 stars). 2 submissions from 2 submitters: Uncertain significance (1); Likely benign (1). Last evaluated 2023-10-11.

Allele frequency attached by ClinVar (database versions not stated): TOPMed below 0.00001; ExAC 0.00002; gnomAD 0.00002; gnomAD exomes 0.00003; 1000 Genomes Project 0.00020; 1000 Genomes Project 30x 0.00031.

Submissions (2):

Labcorp Genetics (formerly Invitae), Labcorp
Classification: Likely benign. Last evaluated: 2023-10-11. Review status: criteria provided, single submitter. Criteria: Invitae Variant Classification Sherloc (09022015). Collection method: clinical testing. Allele origin: germline.

GeneDx
Classification: Uncertain significance. Last evaluated: 2020-01-28. Review status: criteria provided, single submitter. Criteria: GeneDx Variant Classification Process June 2021. Collection method: clinical testing. Allele origin: germline. Affected: yes.
Comment: Has not been previously published as pathogenic or benign to our knowledge; In-silico analysis, which includes splice predictors and evolutionary conservation, is inconclusive as to whether the variant alters gene splicing. In the absence of RNA/functional studies, the actual effect of this sequence change is unknown.